The following is an entry in ClinVar:

NM_005188.4(CBL):c.737G>C (p.Arg246Pro)

Gene: CBL (Cbl proto-oncogene; plus strand). Cytogenetic location: 11q23.3.
Variant type: single nucleotide variant.
Coding change: c.737G>C on transcript NM_005188.4 (MANE Select); coding-DNA position 737, G replaced by C.
Protein change: p.Arg246Pro; replaces arginine 246 with proline.
Molecular consequence: missense variant.
Genome position (GRCh38, 1-based): chr11:119,274,014, G>C. VCF-style: chr11-119274014-G-C. GRCh37 (hg19) VCF-style: chr11-119144724-G-C.
Other names: short protein forms R246P.
Identifiers: ClinVar variation 5033768 (VCV005033768.1).

ClinVar aggregate classification (germline): Uncertain significance (1 of 4 stars; one submission).

Conditions:
Cardiovascular phenotype. Identifiers: MedGen CN230736.

Submission:

Ambry Genetics
Classification: Uncertain significance for Cardiovascular phenotype. Last evaluated: 2026-08-20. Review status: criteria provided, single submitter. Criteria: Ambry Variant Classification Scheme 2023. Collection method: clinical testing. Allele origin: germline.
Comment: The p.R246P variant (also known as c.737G>C), located in coding exon 4 of the CBL gene, results from a G to C substitution at nucleotide position 737. The arginine at codon 246 is replaced by proline, an amino acid with dissimilar properties. This amino acid position is conserved. In addition, this alteration is predicted to be deleterious by in silico analysis. Based on the available evidence, the clinical significance of this variant remains unclear.